The following is an entry in ClinVar:

NM_004260.4(RECQL4):c.3257G>T (p.Gly1086Val)

Gene: RECQL4 (RecQ like helicase 4; minus strand). Cytogenetic location: 8q24.3.
Variant type: single nucleotide variant.
Coding change: c.3257G>T on transcript NM_004260.4 (MANE Select); coding-DNA position 3257, G replaced by T.
Protein change: p.Gly1086Val; replaces glycine 1086 with valine.
Molecular consequence: missense variant.
Genome position (GRCh38, 1-based): chr8:144,512,047, C>A on the plus strand (G>T on the coding strand, the complement: RECQL4 is on the minus strand). VCF-style: chr8-144512047-C-A. GRCh37 (hg19) VCF-style: chr8-145737430-C-A.
Other names: short protein forms G1086V.
Identifiers: ClinVar variation 1001281 (VCV001001281.5), dbSNP rs1827323404, ClinGen allele CA372669224.

ClinVar aggregate classification (germline): Uncertain significance (1 of 4 stars; one submission).

Conditions:
Baller-Gerold syndrome (BGS). Also called: CRANIOSYNOSTOSIS WITH RADIAL DEFECTS. Identifiers: Orphanet 1225, MedGen C0265308, MONDO:0009039, OMIM 218600.

Submission:

Labcorp Genetics (formerly Invitae), Labcorp
Classification: Uncertain significance for Baller-Gerold syndrome. Last evaluated: 2022-01-07. Review status: criteria provided, single submitter. Criteria: Invitae Variant Classification Sherloc (09022015). Collection method: clinical testing. Allele origin: germline.
Comment: In summary, the available evidence is currently insufficient to determine the role of this variant in disease. Therefore, it has been classified as a Variant of Uncertain Significance. Experimental studies and prediction algorithms are not available or were not evaluated, and the effect of this variant on mRNA splicing is currently unknown. ClinVar contains an entry for this variant (Variation ID: 1001281). This variant has not been reported in the literature in individuals affected with RECQL4-related conditions. This variant is not present in population databases (gnomAD no frequency). This sequence change replaces glycine, which is neutral and non-polar, with valine, which is neutral and non-polar, at codon 1086 of the RECQL4 protein (p.Gly1086Val).